The following is an entry in ClinVar:

ClinVar aggregate classification (germline): Uncertain significance. Review status: criteria provided, single submitter (1 of 4 stars). 2 submissions from 2 submitters: Uncertain significance (1). 1 of the submissions does not count toward it. Last evaluated 2024-04-30.

Conditions:
Zellweger spectrum disorders (ZS). Also called: Zellweger Spectrum Disorder; Zellweger Spectrum; Zellweger syndrome; Zellweger Spectrum Disorder (ZSD). Identifiers: Orphanet 912, MedGen C0043459, MONDO:0019609.
Peroxisome biogenesis disorder. Identifiers: Orphanet 79189, MedGen C1832200, MONDO:0019234. Disease mechanism: loss of function.

Allele frequency attached by ClinVar (database versions not stated): TOPMed below 0.00001.
gnomAD v4.1: 4 of 1,613,728 alleles (0.00025%); highest among the groups gnomAD compares: Non-Finnish European, 0.00034%; no homozygotes.

Submissions (2):

Labcorp Genetics (formerly Invitae), Labcorp
Classification: Uncertain significance for Peroxisome biogenesis disorder. Last evaluated: 2024-04-30. Review status: criteria provided, single submitter. Criteria: Invitae Variant Classification Sherloc (09022015). Collection method: clinical testing. Allele origin: germline.
Comment: This sequence change replaces cysteine, which is neutral and slightly polar, with glycine, which is neutral and non-polar, at codon 980 of the PEX6 protein (p.Cys980Gly). This variant is present in population databases (no rsID available, gnomAD 0.007%). This variant has not been reported in the literature in individuals affected with PEX6-related conditions. ClinVar contains an entry for this variant (Variation ID: 1408138). An algorithm developed to predict the effect of missense changes on protein structure and function (PolyPhen-2) suggests that this variant is likely to be disruptive. In summary, the available evidence is currently insufficient to determine the role of this variant in disease. Therefore, it has been classified as a Variant of Uncertain Significance.

Natera, Inc.
Classification: Uncertain significance for Zellweger syndrome. Last evaluated: 2025-04-04. Review status: no assertion criteria provided. Collection method: clinical testing. Allele origin: germline. Not counted in ClinVar's aggregate classification.

NM_000287.4(PEX6):c.2938T>G (p.Cys980Gly)

Gene: PEX6 (peroxisomal biogenesis factor 6; minus strand). Cytogenetic location: 6p21.1.
Variant type: single nucleotide variant.
Coding change: c.2938T>G on transcript NM_000287.4 (MANE Select); coding-DNA position 2938, T replaced by G.
Protein change: p.Cys980Gly; replaces cysteine 980 with glycine.
Molecular consequence: missense variant. On other transcripts: non-coding transcript variant (1).
Genome position (GRCh38, 1-based): chr6:42,964,340, A>C on the plus strand (T>G on the coding strand, the complement: PEX6 is on the minus strand). VCF-style: chr6-42964340-A-C. GRCh37 (hg19) VCF-style: chr6-42932078-A-C.
Other names: c.2674T>G, p.Cys892Gly (NM_001316313.2); c.2938T>G (NM_000287.3); short protein forms C892G, C980G.
Identifiers: ClinVar variation 1408138 (VCV001408138.6), dbSNP rs1427401725, ClinGen allele CA364148953.